The following is an entry in ClinVar:

ClinVar aggregate classification (germline): Pathogenic (1 of 4 stars; one submission).

Conditions:
Holoprosencephaly 4 (HPE4). Identifiers: Orphanet 2162, MedGen C1840528, MONDO:0007734, OMIM 142946.

Submission:

Labcorp Genetics (formerly Invitae), Labcorp
Classification: Pathogenic for Holoprosencephaly 4. Last evaluated: 2018-09-28. Review status: criteria provided, single submitter. Criteria: Invitae Variant Classification Sherloc (09022015). Collection method: clinical testing. Allele origin: germline.
Comment: A gross deletion of the genomic region encompassing the full coding sequence of the TGIF1 gene has been identified. The boundaries of this event are unknown as the deletion extends beyond the assayed region for this gene and therefore may encompass additional genes. Isolated whole-gene deletions of TGIF1 have not been reported in the literature. However, larger copy number events that include this gene have been reported (PMID: 16199538, 19431187, 17001671, 22125506). Loss-of-function variants in TGIF1 are known to be pathogenic (PMID: 16962354, 22125506). For these reasons, this variant has been classified as Pathogenic.

Literature cited by the submitters: PubMed 19431187; PubMed 16199538; PubMed 17001671; PubMed 22125506.

NC_000018.10:g.(?_3447720)_(3457960_?)del

Genes: TGIF1 (TGFB induced factor homeobox 1; plus strand), LOC130062108 (ATAC-STARR-seq lymphoblastoid silent region 9254; plus strand), LOC130062109 (ATAC-STARR-seq lymphoblastoid silent region 9255; plus strand), LOC130062110 (ATAC-STARR-seq lymphoblastoid silent region 9256; plus strand), LOC130062111 (ATAC-STARR-seq lymphoblastoid silent region 9257; plus strand). Cytogenetic location: 18p11.31.
Variant type: Deletion.
Identifiers: ClinVar variation 643155 (VCV000643155.1).